The following is an entry in ClinVar:

ClinVar aggregate classification (germline): Benign. Review status: criteria provided, multiple submitters, no conflicts (2 of 4 stars). 5 submissions from 5 submitters: Benign (5). Last evaluated 2026-01-19.

Conditions:
Cataract 36. Identifiers: MedGen C3151304, MONDO:0013484, OMIM 613887.

Allele frequency attached by ClinVar (database versions not stated): gnomAD exomes 0.03876 and 0.05054; ExAC 0.05411; gnomAD 0.07263 and 0.07327; ESP Exome Variant Server 0.07374; TOPMed 0.07488; 1000 Genomes Project 30x 0.09151; 1000 Genomes Project 0.09165.
gnomAD v4.1: 67,650 of 1,601,674 alleles (4.2%); highest among the groups gnomAD compares: African/African-American, 16%; 2,330 homozygotes.

Submissions (5):

Labcorp Genetics (formerly Invitae), Labcorp
Classification: Benign for Cataract 36. Last evaluated: 2026-01-19. Review status: criteria provided, single submitter. Criteria: Invitae Variant Classification Sherloc (09022015). Collection method: clinical testing. Allele origin: germline.

GeneDx
Classification: Benign. Last evaluated: 2018-05-31. Review status: criteria provided, single submitter. Criteria: GeneDx Variant Classification (06012015). Collection method: clinical testing. Allele origin: germline. Affected: yes.
Comment: This variant is considered likely benign or benign based on one or more of the following criteria: it is a conservative change, it occurs at a poorly conserved position in the protein, it is predicted to be benign by multiple in silico algorithms, and/or has population frequency not consistent with disease.

Illumina Laboratory Services, Illumina
Classification: Benign for Cataract 36. Last evaluated: 2018-01-12. Review status: criteria provided, single submitter. Criteria: ICSL Variant Classification Criteria 13 December 2019. Collection method: clinical testing. Allele origin: germline.
Comment: This variant was observed in the ICSL laboratory as part of a predisposition screen in an ostensibly healthy population. It had not been previously curated by ICSL or reported in the Human Gene Mutation Database (HGMD: prior to June 1st, 2018), and was therefore a candidate for classification through an automated scoring system. Utilizing variant allele frequency, disease prevalence and penetrance estimates, and inheritance mode, an automated score was calculated to assess if this variant is too frequent to cause the disease. Based on the score and internal cut-off values, a variant classified as benign is not then subjected to further curation. The score for this variant resulted in a classification of benign for this disease.

Breakthrough Genomics
Classification: Benign. Review status: criteria provided, single submitter. Criteria: ACMG Guidelines, 2015. Collection method: not provided. Allele origin: germline. Inheritance: Autosomal recessive inheritance. Affected: yes.

PreventionGenetics, part of Exact Sciences
Classification: Benign. Review status: criteria provided, single submitter. Criteria: ACMG Guidelines, 2015. Collection method: clinical testing. Allele origin: germline.

NM_014290.3(TDRD7):c.588A>G (p.Gln196=)

Gene: TDRD7 (tudor domain containing 7; plus strand). Cytogenetic location: 9q22.33.
Variant type: single nucleotide variant.
Coding change: c.588A>G on transcript NM_014290.3 (MANE Select); coding-DNA position 588, A replaced by G.
Protein change: p.Gln196=; no amino-acid change (glutamine 196 retained).
Molecular consequence: synonymous variant.
Genome position (GRCh38, 1-based): chr9:97,439,269, A>G. VCF-style: chr9-97439269-A-G. GRCh37 (hg19) VCF-style: chr9-100201551-A-G.
Other names: c.366A>G, p.Gln122= (NM_001302884.2).
Identifiers: ClinVar variation 260384 (VCV000260384.16), dbSNP rs7853578, ClinGen allele CA5146489.
Genomic context (GRCh38, chr9:97,439,269, plus strand): 5'-ACATTTATTTTACTTTTTTTTTTTTTAATATCTTAGGTTTAGCCCAAAGGCGTCCCTTCA[A>G]CCACCTTTGCAGATGCATCTCTCAAGAACCTCTACTAAGGAAATGAGTGGTATGTTTTCC-3'
Protein context (NP_055105.2, residues 186-206): NNRFSPKASL[Gln196=]PPLQMHLSRT